The following is an entry in ClinVar:

ClinVar aggregate classification (germline): Uncertain significance. Review status: criteria provided, multiple submitters, no conflicts (2 of 4 stars). 3 submissions from 3 submitters: Uncertain significance (3). Last evaluated 2024-07-16.

Conditions:
Hereditary cancer-predisposing syndrome. Also called: Tumor predisposition; Neoplastic Syndromes, Hereditary; Hereditary Cancer Syndrome; Hereditary neoplastic syndrome. Identifiers: Orphanet 140162, MedGen C0027672, MeSH D009386, MONDO:0015356.
Hereditary diffuse gastric adenocarcinoma (HDGC). Also called: DIFFUSE GASTRIC AND LOBULAR BREAST CANCER SYNDROME. Identifiers: Orphanet 26106, MedGen C1708349, MONDO:0007648, OMIM 137215.

Submissions (3):

Labcorp Genetics (formerly Invitae), Labcorp
Classification: Uncertain significance for Hereditary diffuse gastric adenocarcinoma. Last evaluated: 2024-07-16. Review status: criteria provided, single submitter. Criteria: Invitae Variant Classification Sherloc (09022015). Collection method: clinical testing. Allele origin: germline.
Comment: This sequence change replaces valine, which is neutral and non-polar, with alanine, which is neutral and non-polar, at codon 345 of the CDH1 protein (p.Val345Ala). This variant is not present in population databases (gnomAD no frequency). This variant has not been reported in the literature in individuals affected with CDH1-related conditions. ClinVar contains an entry for this variant (Variation ID: 418112). An algorithm developed to predict the effect of missense changes on protein structure and function (PolyPhen-2) suggests that this variant is likely to be disruptive. In summary, the available evidence is currently insufficient to determine the role of this variant in disease. Therefore, it has been classified as a Variant of Uncertain Significance.

Ambry Genetics
Classification: Uncertain significance for Hereditary cancer-predisposing syndrome. Last evaluated: 2024-03-08. Review status: criteria provided, single submitter. Criteria: Ambry Variant Classification Scheme 2023. Collection method: clinical testing. Allele origin: germline.
Comment: The p.V345A variant (also known as c.1034T>C), located in coding exon 8 of the CDH1 gene, results from a T to C substitution at nucleotide position 1034. The valine at codon 345 is replaced by alanine, an amino acid with similar properties. This amino acid position is well conserved in available vertebrate species. In addition, the in silico prediction for this alteration is inconclusive. Based on the available evidence, the clinical significance of this alteration remains unclear.

GeneDx
Classification: Uncertain significance. Last evaluated: 2015-02-02. Review status: criteria provided, single submitter. Criteria: GeneDx Variant Classification (06012015). Collection method: clinical testing. Allele origin: germline. Affected: yes.
Comment: This variant is denoted CDH1 c.1034T>C at the cDNA level, p.Val345Ala (V345A) at the protein level, and results in the change of a Valine to an Alanine (GTT>GCT). This variant has not, to our knowledge, been published in the literature as pathogenic or benign. CDH1 Val345Ala was not observed in approximately 6,500 individuals of European and African American ancestry in the NHLBI Exome Sequencing Project, indicating it is not a common benign variant in these populations. Since Valine and Alanine share similar properties, this is considered a conservative amino acid substitution. CDH1 Val345Ala occurs at a position that is highly conserved across species and is located in the Cadherin 2 domain (UniProt). In silico analyses predict that this variant is probably damaging to protein structure and function. Based on currently available information, it is unclear whether CDH1 Val345Ala is pathogenic or benign. We consider it to be a variant of uncertain significance.

NM_004360.5(CDH1):c.1034T>C (p.Val345Ala)

Gene: CDH1 (cadherin 1; plus strand). Cytogenetic location: 16q22.1.
Variant type: single nucleotide variant.
Coding change: c.1034T>C on transcript NM_004360.5 (MANE Select); coding-DNA position 1034, T replaced by C.
Protein change: p.Val345Ala; replaces valine 345 with alanine.
Molecular consequence: missense variant. On other transcripts: 5 prime UTR variant (2).
Genome position (GRCh38, 1-based): chr16:68,812,160, T>C. VCF-style: chr16-68812160-T-C. GRCh37 (hg19) VCF-style: chr16-68846063-T-C.
Other names: c.1034T>C (LRG_301t1); c.1034T>C, p.Val345Ala (NM_001317184.2); c.-582T>C (NM_001317185.2); c.-786T>C (NM_001317186.2); short protein forms V345A.
Identifiers: ClinVar variation 418112 (VCV000418112.14), dbSNP rs1064793080, ClinGen allele CA16620245.
Genomic context (GRCh38, chr16:68,812,160, plus strand): 5'-CTGGTCCTGACTTGGTTGTGTCGATCTCTCTGCAGAGTTTCCCTACGTATACCCTGGTGG[T>C]TCAAGCTGCTGACCTTCAAGGTGAGGGGTTAAGCACAACAGCAACAGCTGTGATCACAGT-3'
Protein context (NP_004351.1, residues 335-355): RESFPTYTLV[Val345Ala]QAADLQGEGL